The following continues an entry in ClinVar:

NM_001323289.2(CDKL5):c.533G>A (p.Arg178Gln)

Gene: CDKL5. ClinVar aggregate classification (germline): Pathogenic. Pathogenic (1).

Submissions 10 to 16 of 16:

GeneDx
Classification: Pathogenic. Last evaluated: 2022-08-17. Review status: criteria provided, single submitter. Criteria: GeneDx Variant Classification Process June 2021. Collection method: clinical testing. Allele origin: germline. Affected: yes. Not counted in ClinVar's aggregate classification.
Comment: Not observed at significant frequency in large population cohorts (gnomAD); In silico analysis supports that this missense variant has a deleterious effect on protein structure/function; This variant is associated with the following publications: (PMID: 21770923, 29190809, 32371413, 33436160, 31313283, 24564546, 23708187, 26482601, 22678952, 29852413, 33047306)

Institute for Genomic Medicine (IGM) Clinical Laboratory, Nationwide Children's Hospital
Classification: Pathogenic for Developmental and epileptic encephalopathy, 2. Last evaluated: 2017-12-08. Review status: criteria provided, single submitter. Criteria: ACMG Guidelines, 2015. Collection method: clinical testing. Allele origin: de novo. Affected: yes. Not counted in ClinVar's aggregate classification.
Comment: [ACMG/AMP: PS2, PM1, PM2, PM5, PS4_moderate, PP5]; A de novo mosaic variant [PS2] within the CDKL5 gene was detected and confirmed by sanger sequencing. This variant results in the replacement of an arginine by a glutamine at amino acid 178. The p.Arg178Gln variant has been previously documented in multiple individuals in the setting of early onset epileptic encephalopathy, with codon 178 described as a hotspot for disease-associated variation [PS4_moderate, PM5] (PMID: 21770923; 22678952; 24564546). This variant occurs within the kinase domain of the protein, specifically within subdomain VIII, a region important for substrate recognition [PM1] (PMID: 22678952). Functional studies of constructs with disease-associated variation demonstrate loss of kinase activity (PMID: 16330482). Kinome profiling in a CDKL5 deficient mouse model has demonstrated disruption of multiple signaling pathways suggestive of aberrant signal transduction in the setting of dysfunctional CDKL5 (PMID: 23236174). The p.Arg178Gln variant is absent from large-scale population databases including gnomAD [PM2], impacts a highly conserved nucleotide position, and has previously been reported as pathogenic [PP5] (ClinVar: 94113). Mosaicism in the setting of CDKL5-associated epileptic encephalopathy has been previously described in the literature, which further supports this mechanism in the pathogenesis of disease (PMID: 28837158; 20602487, 22779007).

Eurofins Ntd Llc (ga)
Classification: Likely pathogenic. Last evaluated: 2013-04-02. Review status: criteria provided, single submitter. Criteria: EGL Classification Definitions. Collection method: clinical testing. Allele origin: germline. Observed: 1 variant allele, 1 heterozygote. Not counted in ClinVar's aggregate classification.

Suma Genomics
Classification: Pathogenic for Developmental and epileptic encephalopathy, 2. Review status: criteria provided, single submitter. Criteria: ACMG Guidelines, 2015. Collection method: clinical testing. Allele origin: de novo. Inheritance: Autosomal dominant inheritance. Affected: yes. Not counted in ClinVar's aggregate classification.

RettBASE
Classification: Pathogenic for Epileptic encephalopathy, early infantile, 2. Last evaluated: 2014-03-13. Review status: no assertion criteria provided. Collection method: curation. Allele origin: de novo. Affected: yes. Observed: 1 variant allele. Not counted in ClinVar's aggregate classification.
Comment: Conserved residue, other missense at same position suspected pathogenic; In silico prediction: SIFT = deleterious, MutationTaster = disease-causing, PolyPhen2 = probably damaging, AlignGVGD = benign (C0)

Genome Diagnostics Laboratory, University Medical Center Utrecht
Classification: Likely pathogenic. Review status: no assertion criteria provided. Collection method: clinical testing. Allele origin: germline. Affected: yes. Study: VKGL Data-share Consensus. Not counted in ClinVar's aggregate classification.

Joint Genome Diagnostic Labs from Nijmegen and Maastricht, Radboudumc and MUMC+
Classification: Pathogenic. Review status: no assertion criteria provided. Collection method: clinical testing. Allele origin: germline. Affected: yes. Study: VKGL Data-share Consensus. Not counted in ClinVar's aggregate classification.

Literature cited by the submitters: PubMed 24564546 (cited by 4 submitters); PubMed 26482601 (cited by 3 submitters); PubMed 29852413 (cited by ClinGen Rett and Angelman-like Disorders Variant Curation Expert Panel and 3billion); PubMed 29190809 (cited by 3 submitters); PubMed 21770923 (cited by 5 submitters); PubMed 27081548 (cited by 3billion); PubMed 18809835 (cited by 3billion); PubMed 19362436 (cited by Labcorp Genetics (formerly Invitae), Labcorp); PubMed 19793311 (cited by Labcorp Genetics (formerly Invitae), Labcorp); PubMed 22678952 (cited by Labcorp Genetics (formerly Invitae), Labcorp and Institute for Genomic Medicine (IGM) Clinical Laboratory, Nationwide Children's Hospital); PubMed 25657822 (cited by Labcorp Genetics (formerly Invitae), Labcorp); PubMed 22779007 (cited by Institute for Genomic Medicine (IGM) Clinical Laboratory, Nationwide Children's Hospital); PubMed 25266480 (cited by Institute for Genomic Medicine (IGM) Clinical Laboratory, Nationwide Children's Hospital); PubMed 20602487 (cited by Institute for Genomic Medicine (IGM) Clinical Laboratory, Nationwide Children's Hospital); PubMed 16330482 (cited by Institute for Genomic Medicine (IGM) Clinical Laboratory, Nationwide Children's Hospital); PubMed 23236174 (cited by Institute for Genomic Medicine (IGM) Clinical Laboratory, Nationwide Children's Hospital); PubMed 28837158 (cited by Institute for Genomic Medicine (IGM) Clinical Laboratory, Nationwide Children's Hospital).